The following is an entry in ClinVar:

NM_000520.6(HEXA):c.412G>A (p.Gly138Ser)

Gene: HEXA (hexosaminidase subunit alpha; minus strand). Cytogenetic location: 15q23.
Variant type: single nucleotide variant.
Coding change: c.412G>A on transcript NM_000520.6 (MANE Select); coding-DNA position 412, G replaced by A.
Protein change: p.Gly138Ser; replaces glycine 138 with serine.
Molecular consequence: missense variant. On other transcripts: non-coding transcript variant (1).
Genome position (GRCh38, 1-based): chr15:72,355,559, C>T on the plus strand (G>A on the coding strand, the complement: HEXA is on the minus strand). VCF-style: chr15-72355559-C-T. GRCh37 (hg19) VCF-style: chr15-72647900-C-T.
Other names: c.445G>A, p.Gly149Ser (NM_001318825.2); short protein forms G138S, G149S.
Identifiers: ClinVar variation 4814260 (VCV004814260.1).

ClinVar aggregate classification (germline): Likely pathogenic (1 of 4 stars; one submission).

Conditions:
Tay-Sachs disease (TSD). Also called: HEXA DEFICIENCY; HEXA Disorders; GM2 gangliosidosis, type 1; Hexosaminidase alpha-subunit deficiency (variant B); Sphingolipidosis, Tay-Sachs; Hexosaminidase A Deficiency. Identifiers: Orphanet 845, MedGen C0039373, MONDO:0010100, OMIM 272800.

Submission:

Natera, Inc.
Classification: Likely pathogenic for Tay-Sachs disease. Last evaluated: 2025-10-13. Review status: criteria provided, single submitter. Criteria: Natera Variant Classification Schema (03/2026). Collection method: clinical testing. Allele origin: germline.
Comment: The c.412G>A variant in HEXA is a missense variant predicted to cause substitution of glycine to serine at amino acid 138. This variant is rare in the general population with a frequency below the threshold expected for the associated phenotype(s). This variant has been identified in one or more affected individual with a phenotype highly consistent with the associated gene (PMID: 12689701). Functional studies show that this variant may disrupt protein function (PMID: 12689701). Computational prediction algorithms indicate this variant is likely to affect gene or protein function. Given the available evidence, this variant is classified as Likely Pathogenic.

Literature cited by the submitters: PubMed 12689701.